The following is an entry in ClinVar:

NM_004260.4(RECQL4):c.284G>C (p.Gly95Ala)

Gene: RECQL4 (RecQ like helicase 4; minus strand). Cytogenetic location: 8q24.3.
Variant type: single nucleotide variant.
Coding change: c.284G>C on transcript NM_004260.4 (MANE Select); coding-DNA position 284, G replaced by C.
Protein change: p.Gly95Ala; replaces glycine 95 with alanine.
Molecular consequence: missense variant.
Genome position (GRCh38, 1-based): chr8:144,517,120, C>G on the plus strand (G>C on the coding strand, the complement: RECQL4 is on the minus strand). VCF-style: chr8-144517120-C-G. GRCh37 (hg19) VCF-style: chr8-145742504-C-G.
Other names: short protein forms G95A.
Identifiers: ClinVar variation 1482117 (VCV001482117.6), dbSNP rs2130735581, ClinGen allele CA372692142.

ClinVar aggregate classification (germline): Uncertain significance (1 of 4 stars; one submission).

Conditions:
Baller-Gerold syndrome (BGS). Also called: CRANIOSYNOSTOSIS WITH RADIAL DEFECTS. Identifiers: Orphanet 1225, MedGen C0265308, MONDO:0009039, OMIM 218600.

Submission:

Labcorp Genetics (formerly Invitae), Labcorp
Classification: Uncertain significance for Baller-Gerold syndrome. Last evaluated: 2023-09-29. Review status: criteria provided, single submitter. Criteria: Invitae Variant Classification Sherloc (09022015). Collection method: clinical testing. Allele origin: germline.
Comment: This sequence change replaces glycine, which is neutral and non-polar, with alanine, which is neutral and non-polar, at codon 95 of the RECQL4 protein (p.Gly95Ala). This variant is not present in population databases (gnomAD no frequency). This variant has not been reported in the literature in individuals affected with RECQL4-related conditions. ClinVar contains an entry for this variant (Variation ID: 1482117). Advanced modeling of protein sequence and biophysical properties (such as structural, functional, and spatial information, amino acid conservation, physicochemical variation, residue mobility, and thermodynamic stability) performed at Invitae indicates that this missense variant is not expected to disrupt RECQL4 protein function. In summary, the available evidence is currently insufficient to determine the role of this variant in disease. Therefore, it has been classified as a Variant of Uncertain Significance.